The following is an entry in ClinVar:

NM_006084.5(IRF9):c.454T>C (p.Cys152Arg)

Gene: IRF9 (interferon regulatory factor 9; plus strand). Cytogenetic location: 14q12.
Variant type: single nucleotide variant.
Coding change: c.454T>C on transcript NM_006084.5 (MANE Select); coding-DNA position 454, T replaced by C.
Protein change: p.Cys152Arg; replaces cysteine 152 with arginine.
Molecular consequence: missense variant.
Genome position (GRCh38, 1-based): chr14:24,163,467, T>C. VCF-style: chr14-24163467-T-C. GRCh37 (hg19) VCF-style: chr14-24632676-T-C.
Other names: c.454T>C, p.Cys152Arg (NM_001385400.1, NM_001385401.1, NM_001385402.1); short protein forms C152R.
Identifiers: ClinVar variation 1058941 (VCV001058941.9), dbSNP rs1265879565, ClinGen allele CA389203919.

ClinVar aggregate classification (germline): Uncertain significance (1 of 4 stars; one submission).

Allele frequency attached by ClinVar (database versions not stated): gnomAD exomes below 0.00001; TOPMed below 0.00001.
gnomAD v4.1: 1 of 1,614,212 alleles (0.000062%); highest among the groups gnomAD compares: African/African-American, 0.0013%; no homozygotes.

Submission:

Labcorp Genetics (formerly Invitae), Labcorp
Classification: Uncertain significance. Last evaluated: 2022-08-16. Review status: criteria provided, single submitter. Criteria: Invitae Variant Classification Sherloc (09022015). Collection method: clinical testing. Allele origin: germline.
Comment: This sequence change replaces cysteine, which is neutral and slightly polar, with arginine, which is basic and polar, at codon 152 of the IRF9 protein (p.Cys152Arg). This variant is present in population databases (no rsID available, gnomAD 0.007%). This variant has not been reported in the literature in individuals affected with IRF9-related conditions. ClinVar contains an entry for this variant (Variation ID: 1058941). Algorithms developed to predict the effect of missense changes on protein structure and function (SIFT, PolyPhen-2, Align-GVGD) all suggest that this variant is likely to be tolerated. In summary, the available evidence is currently insufficient to determine the role of this variant in disease. Therefore, it has been classified as a Variant of Uncertain Significance.